The following is an entry in ClinVar:

ClinVar aggregate classification (germline): Conflicting classifications of pathogenicity. Review status: criteria provided, conflicting classifications (1 of 4 stars). 2 submissions from 2 submitters: Uncertain significance (1); Likely benign (1). Last evaluated 2025-12-22.

gnomAD v4.1: 7 of 1,613,956 alleles (0.00043%); highest among the groups gnomAD compares: Non-Finnish European, 0.00059%; no homozygotes.

Submissions (2):

Labcorp Genetics (formerly Invitae), Labcorp
Classification: Uncertain significance. Last evaluated: 2025-12-22. Review status: criteria provided, single submitter. Criteria: Invitae Variant Classification Sherloc (09022015). Collection method: clinical testing. Allele origin: germline.
Comment: This sequence change replaces proline, which is neutral and non-polar, with serine, which is neutral and polar, at codon 547 of the DNM1L protein (p.Pro547Ser). This variant is present in population databases (rs767021397, gnomAD 0.0009%). This variant has not been reported in the literature in individuals affected with DNM1L-related conditions. ClinVar contains an entry for this variant (Variation ID: 214311). An algorithm developed to predict the effect of missense changes on protein structure and function (PolyPhen-2) suggests that this variant is likely to be tolerated. In summary, the available evidence is currently insufficient to determine the role of this variant in disease. Therefore, it has been classified as a Variant of Uncertain Significance.

GeneDx
Classification: Likely benign. Last evaluated: 2019-09-27. Review status: criteria provided, single submitter. Criteria: GeneDx Variant Classification Process June 2021. Collection method: clinical testing. Allele origin: germline. Affected: yes.

NM_012062.5(DNM1L):c.1639C>T (p.Pro547Ser)

Gene: DNM1L (dynamin 1 like; plus strand). Cytogenetic location: 12p11.21.
Variant type: single nucleotide variant.
Coding change: c.1639C>T on transcript NM_012062.5 (MANE Select); coding-DNA position 1639, C replaced by T.
Protein change: p.Pro547Ser; replaces proline 547 with serine.
Molecular consequence: missense variant. On other transcripts: intron variant (3).
Genome position (GRCh38, 1-based): chr12:32,737,907, C>T. VCF-style: chr12-32737907-C-T. GRCh37 (hg19) VCF-style: chr12-32890841-C-T.
Other names: p.P547S:CCC>TCC; c.1639C>T, p.Pro547Ser (NM_001278463.2); c.1678C>T, p.Pro560Ser (NM_001278464.2, NM_001278465.2); c.1030C>T, p.Pro344Ser (NM_001278466.2); c.1635+746C>T (NM_001330380.2); c.1597-357C>T (NM_012063.4); c.1596+746C>T (NM_005690.5); short protein forms P547S, P344S, P560S.
Identifiers: ClinVar variation 214311 (VCV000214311.8), dbSNP rs767021397, ClinGen allele CA320896.